The following is an entry in ClinVar:

NM_000481.4(AMT):c.1102G>T (p.Glu368Ter)

Gene: AMT (aminomethyltransferase; minus strand). Cytogenetic location: 3p21.31.
Variant type: single nucleotide variant.
Coding change: c.1102G>T on transcript NM_000481.4 (MANE Select); coding-DNA position 1102, G replaced by T.
Protein change: p.Glu368Ter; replaces glutamic acid 368 with a stop codon.
Molecular consequence: nonsense. On other transcripts: non-coding transcript variant (1).
Genome position (GRCh38, 1-based): chr3:49,417,650, C>A on the plus strand (G>T on the coding strand, the complement: AMT is on the minus strand). VCF-style: chr3-49417650-C-A. GRCh37 (hg19) VCF-style: chr3-49455083-C-A.
Other names: c.970G>T, p.Glu324Ter (NM_001164710.2); c.934G>T, p.Glu312Ter (NM_001164711.2); c.1102G>T, p.Glu368Ter (NM_001164712.2); short protein forms E324*, E368*, E312*.
Identifiers: ClinVar variation 2765422 (VCV002765422.3), dbSNP rs373140736, ClinGen allele CA352788898.

ClinVar aggregate classification (germline): Pathogenic (1 of 4 stars; one submission).

Conditions:
Glycine encephalopathy. Also called: Nonketotic hyperglycinemia; Non-ketotic hyperglycinemia. Identifiers: Orphanet 407, MedGen C0751748, MONDO:0011612, HP:0008288.

gnomAD v4.1: 1 of 1,614,146 alleles (0.000062%); highest among the groups gnomAD compares: African/African-American, 0.0013%; no homozygotes.

Submission:

Labcorp Genetics (formerly Invitae), Labcorp
Classification: Pathogenic for Glycine encephalopathy. Last evaluated: 2023-10-04. Review status: criteria provided, single submitter. Criteria: Invitae Variant Classification Sherloc (09022015). Collection method: clinical testing. Allele origin: germline.
Comment: This sequence change creates a premature translational stop signal (p.Glu368*) in the AMT gene. While this is not anticipated to result in nonsense mediated decay, it is expected to disrupt the last 36 amino acid(s) of the AMT protein. This variant is not present in population databases (gnomAD no frequency). This variant has not been reported in the literature in individuals affected with AMT-related conditions. This variant disrupts a region of the AMT protein in which other variant(s) (p.Tyr369*) have been determined to be pathogenic (PMID: 27362913). This suggests that this is a clinically significant region of the protein, and that variants that disrupt it are likely to be disease-causing. For these reasons, this variant has been classified as Pathogenic.

Literature cited by the submitters: PubMed 27362913.